The following is an entry in ClinVar:

NM_000135.4(FANCA):c.893+922G>A

Gene: FANCA (FA complementation group A; minus strand). Cytogenetic location: 16q24.3.
Variant type: single nucleotide variant.
Coding change: c.893+922G>A on transcript NM_000135.4 (MANE Select); 922 bases into the intron after coding-DNA position 893, G replaced by A.
Molecular consequence: intron variant.
Genome position (GRCh38, 1-based): chr16:89,798,244, C>T on the plus strand (G>A on the coding strand, the complement: FANCA is on the minus strand). VCF-style: chr16-89798244-C-T. GRCh37 (hg19) VCF-style: chr16-89864652-C-T.
Other names: c.893+922G>A (NM_001286167.3).
Identifiers: ClinVar variation 3055046 (VCV003055046.2), dbSNP rs538264913, ClinGen allele CA286598751.

ClinVar aggregate classification (germline): Likely benign (0 of 4 stars; one submission).

Conditions:
FANCA-related disorder. Also called: FANCA-related condition.

Allele frequency attached by ClinVar (database versions not stated): 1000 Genomes Project 30x 0.00016; 1000 Genomes Project 0.00020.
gnomAD v4.1: 8 of 727,502 alleles (0.0011%); highest among the groups gnomAD compares: African/African-American, 0.015%; no homozygotes.

Submission:

PreventionGenetics, part of Exact Sciences
Classification: Likely benign for FANCA-related condition. Last evaluated: 2023-08-09. Review status: no assertion criteria provided. Collection method: clinical testing. Allele origin: germline.
Comment: This variant is classified as likely benign based on ACMG/AMP sequence variant interpretation guidelines (Richards et al. 2015 PMID: 25741868, with internal and published modifications).